The following is an entry in ClinVar:

ClinVar aggregate classification (germline): Uncertain significance (1 of 4 stars; one submission).

Conditions:
WFS1-related disorder. Identifiers: MedGen CN379391, MONDO:0700293.

Submission:

PreventionGenetics, part of Exact Sciences
Classification: Uncertain significance for WFS1-related condition. Last evaluated: 2024-12-12. Review status: criteria provided, single submitter. Criteria: ACMG Guidelines, 2015. Collection method: clinical testing. Allele origin: germline.
Comment: The WFS1 c.635G>T variant is predicted to result in the amino acid substitution p.Gly212Val. To our knowledge, this variant has not been reported in the literature or in a large population database (gnomAD), indicating this variant is rare. At this time, the clinical significance of this variant is uncertain due to the absence of conclusive functional and genetic evidence.

NM_006005.3(WFS1):c.635G>T (p.Gly212Val)

Gene: WFS1 (wolframin ER transmembrane glycoprotein; plus strand). Cytogenetic location: 4p16.1.
Variant type: single nucleotide variant.
Coding change: c.635G>T on transcript NM_006005.3 (MANE Select); coding-DNA position 635, G replaced by T.
Protein change: p.Gly212Val; replaces glycine 212 with valine.
Molecular consequence: missense variant.
Genome position (GRCh38, 1-based): chr4:6,291,920, G>T. VCF-style: chr4-6291920-G-T. GRCh37 (hg19) VCF-style: chr4-6293647-G-T.
Other names: c.635G>T, p.Gly212Val (NM_001145853.1); short protein forms G212V.
Identifiers: ClinVar variation 4999881 (VCV004999881.1).